The following is an entry in ClinVar:

NM_001365951.3(KIF1B):c.2398T>C (p.Ser800Pro)

Gene: KIF1B (kinesin family member 1B; plus strand). Cytogenetic location: 1p36.22.
Variant type: single nucleotide variant.
Coding change: c.2398T>C on transcript NM_001365951.3 (MANE Select); coding-DNA position 2398, T replaced by C.
Protein change: p.Ser800Pro; replaces serine 800 with proline.
Molecular consequence: missense variant.
Genome position (GRCh38, 1-based): chr1:10,323,923, T>C. VCF-style: chr1-10323923-T-C. GRCh37 (hg19) VCF-style: chr1-10383981-T-C.
Other names: c.2398T>C, p.Ser800Pro (NM_001365952.1); c.2260T>C, p.Ser754Pro (NM_015074.3); short protein forms S754P, S800P.
Identifiers: ClinVar variation 4858836 (VCV004858836.1).

ClinVar aggregate classification (germline): Uncertain significance (1 of 4 stars; one submission).

Submission:

Ambry Genetics
Classification: Uncertain significance. Last evaluated: 2026-04-13. Review status: criteria provided, single submitter. Criteria: Ambry Variant Classification Scheme 2023. Collection method: clinical testing. Allele origin: germline.
Comment: The p.S754P variant (also known as c.2260T>C), located in coding exon 22 of the KIF1B gene, results from a T to C substitution at nucleotide position 2260. The serine at codon 754 is replaced by proline, an amino acid with similar properties. This amino acid position is conserved. In addition, this alteration is predicted to be deleterious by in silico analysis. Based on the available evidence, the clinical significance of this variant remains unclear.